The following is an entry in ClinVar:

ClinVar aggregate classification (germline): Uncertain significance. Review status: criteria provided, multiple submitters, no conflicts (2 of 4 stars). 2 submissions from 2 submitters: Uncertain significance (2). Last evaluated 2020-10-20.

Conditions:
Hereditary cancer-predisposing syndrome. Also called: Tumor predisposition; Hereditary neoplastic syndrome; Hereditary Cancer Syndrome; Neoplastic Syndromes, Hereditary. Identifiers: Orphanet 140162, MedGen C0027672, MeSH D009386, MONDO:0015356.

Submissions (2):

Color Diagnostics, LLC DBA Color Health
Classification: Uncertain significance for Hereditary cancer-predisposing syndrome. Last evaluated: 2020-10-20. Review status: criteria provided, single submitter. Criteria: ACMG Guidelines, 2015. Collection method: clinical testing. Allele origin: germline.
Comment: This missense variant replaces lysine with glutamic acid at codon 450 of the PMS2 protein. Computational prediction suggests that this variant may not impact protein structure and function (internally defined REVEL score threshold <= 0.5, PMID: 27666373). To our knowledge, functional studies have not been reported for this variant. This variant has not been reported in individuals affected with hereditary cancer in the literature. This variant has not been identified in the general population by the Genome Aggregation Database (gnomAD). The available evidence is insufficient to determine the role of this variant in disease conclusively. Therefore, this variant is classified as a Variant of Uncertain Significance.

Ambry Genetics
Classification: Uncertain significance for Hereditary cancer-predisposing syndrome. Last evaluated: 2020-09-22. Review status: criteria provided, single submitter. Criteria: Ambry Variant Classification Scheme 2023. Collection method: clinical testing. Allele origin: germline.
Comment: The p.K450E variant (also known as c.1348A>G), located in coding exon 11 of the PMS2 gene, results from an A to G substitution at nucleotide position 1348. The lysine at codon 450 is replaced by glutamic acid, an amino acid with similar properties. This amino acid position is not well conserved in available vertebrate species. In addition, this alteration is predicted to be tolerated by in silico analysis. Since supporting evidence is limited at this time, the clinical significance of this alteration remains unclear.

NM_000535.7(PMS2):c.1348A>G (p.Lys450Glu)

Gene: PMS2 (PMS1 homolog 2, mismatch repair system component; minus strand). Cytogenetic location: 7p22.1.
Variant type: single nucleotide variant.
Coding change: c.1348A>G on transcript NM_000535.7 (MANE Select); coding-DNA position 1348, A replaced by G.
Protein change: p.Lys450Glu; replaces lysine 450 with glutamic acid.
Molecular consequence: missense variant. On other transcripts: non-coding transcript variant (1).
Genome position (GRCh38, 1-based): chr7:5,987,417, T>C on the plus strand (A>G on the coding strand, the complement: PMS2 is on the minus strand). VCF-style: chr7-5987417-T-C. GRCh37 (hg19) VCF-style: chr7-6027048-T-C.
Other names: c.943A>G, p.Lys315Glu (NM_001322003.2, NM_001322004.2, NM_001322005.2 and 1 more transcripts); c.1192A>G, p.Lys398Glu (NM_001322006.2); c.1030A>G, p.Lys344Glu (NM_001322007.2, NM_001322008.2); c.787A>G, p.Lys263Glu (NM_001322010.2); c.415A>G, p.Lys139Glu (NM_001322011.2, NM_001322012.2); c.775A>G, p.Lys259Glu (NM_001322013.2); c.1348A>G, p.Lys450Glu (NM_001322014.2); c.1039A>G, p.Lys347Glu (NM_001322015.2); short protein forms K139E, K259E, K263E, K315E, K344E, K347E, K398E, K450E.
Identifiers: ClinVar variation 1171362 (VCV001171362.4), dbSNP rs1060503142, ClinGen allele CA366742285.